The following is an entry in ClinVar:

ClinVar aggregate classification (germline): Uncertain significance (1 of 4 stars; one submission).

Submission:

Ambry Genetics
Classification: Uncertain significance. Last evaluated: 2023-11-21. Review status: criteria provided, single submitter. Criteria: Ambry Variant Classification Scheme 2023. Collection method: clinical testing. Allele origin: germline.
Comment: The p.K254Q variant (also known as c.760A>C), located in coding exon 8 of the PRKDC gene, results from an A to C substitution at nucleotide position 760. The lysine at codon 254 is replaced by glutamine, an amino acid with similar properties. This amino acid position is conserved. In addition, this alteration is predicted to be tolerated by in silico analysis. Since supporting evidence is limited at this time, the clinical significance of this alteration remains unclear.

NM_006904.7(PRKDC):c.760A>C (p.Lys254Gln)

Gene: PRKDC (protein kinase, DNA-activated, catalytic subunit; minus strand). Cytogenetic location: 8q11.21.
Variant type: single nucleotide variant.
Coding change: c.760A>C on transcript NM_006904.7 (MANE Select); coding-DNA position 760, A replaced by C.
Protein change: p.Lys254Gln; replaces lysine 254 with glutamine.
Molecular consequence: missense variant.
Genome position (GRCh38, 1-based): chr8:47,943,991, T>G on the plus strand (A>C on the coding strand, the complement: PRKDC is on the minus strand). VCF-style: chr8-47943991-T-G. GRCh37 (hg19) VCF-style: chr8-48856551-T-G.
Other names: c.760A>C, p.Lys254Gln (NM_001081640.2); short protein forms K254Q.
Identifiers: ClinVar variation 3225913 (VCV003225913.1), dbSNP rs2551880813, ClinGen allele CA371136449.
Genomic context (GRCh38, chr8:47,943,991, plus strand): 5'-TGTAAAGGCATTAGAATAATATTAATAGTAATATTAATCCTACCTGAGGACGAATTGCCT[T>G]TAGTACAAAATTAAAAATCTCCCTTGAAGTCTGGGGATCTAGGGAAATACCAAGAAGCCT-3'
Protein context (NP_008835.5, residues 244-264): TSREIFNFVL[Lys254Gln]AIRPQIDLKR